The following is an entry in ClinVar:

NM_001276345.2(TNNT2):c.224C>A (p.Pro75Gln)

Gene: TNNT2 (troponin T2, cardiac type; minus strand). Cytogenetic location: 1q32.1.
Variant type: single nucleotide variant.
Coding change: c.224C>A on transcript NM_001276345.2 (MANE Select); coding-DNA position 224, C replaced by A.
Protein change: p.Pro75Gln; replaces proline 75 with glutamine.
Molecular consequence: missense variant.
Genome position (GRCh38, 1-based): chr1:201,366,847, G>T on the plus strand (C>A on the coding strand, the complement: TNNT2 is on the minus strand). VCF-style: chr1-201366847-G-T. GRCh37 (hg19) VCF-style: chr1-201335975-G-T.
Other names: c.224C>A, p.Pro75Gln (NM_000364.4, NM_001406723.1); c.194C>A, p.Pro65Gln (NM_001001430.3, NM_001001431.3, NM_001276347.2 and 3 more transcripts); c.179C>A, p.Pro60Gln (NM_001001432.3, NM_001406728.1); c.221C>A, p.Pro74Gln (NM_001276346.2); c.191C>A, p.Pro64Gln (NM_001406725.1); short protein forms P60Q, P64Q, P65Q, P74Q, P75Q.
Identifiers: ClinVar variation 1717917 (VCV001717917.5), dbSNP rs371394312, ClinGen allele CA35425622.

ClinVar aggregate classification (germline): Uncertain significance (1 of 4 stars; one submission).

Conditions:
Dilated cardiomyopathy 1D. Identifiers: Orphanet 154, Orphanet 54260, MedGen C1832243, MONDO:0011095, OMIM 601494.
Hypertrophic cardiomyopathy 2. Also called: TNNT2-Related Familial Hypertrophic Cardiomyopathy. Identifiers: MedGen C1861864, MONDO:0007266, OMIM 115195.
Cardiomyopathy, familial restrictive, 3. Identifiers: Orphanet 75249, MedGen C2676271, MONDO:0012900, OMIM 612422.

Allele frequency attached by ClinVar (database versions not stated): TOPMed below 0.00001; ESP Exome Variant Server 0.00008.

Submission:

Labcorp Genetics (formerly Invitae), Labcorp
Classification: Uncertain significance for Cardiomyopathy, familial restrictive, 3; Hypertrophic cardiomyopathy 2; Dilated cardiomyopathy 1D. Last evaluated: 2023-04-25. Review status: criteria provided, single submitter. Criteria: Invitae Variant Classification Sherloc (09022015). Collection method: clinical testing. Allele origin: germline.
Comment: In summary, the available evidence is currently insufficient to determine the role of this variant in disease. Therefore, it has been classified as a Variant of Uncertain Significance. Advanced modeling of protein sequence and biophysical properties (such as structural, functional, and spatial information, amino acid conservation, physicochemical variation, residue mobility, and thermodynamic stability) performed at Invitae indicates that this missense variant is expected to disrupt TNNT2 protein function. ClinVar contains an entry for this variant (Variation ID: 1717917). This variant has not been reported in the literature in individuals affected with TNNT2-related conditions. This variant is not present in population databases (gnomAD no frequency). This sequence change replaces proline, which is neutral and non-polar, with glutamine, which is neutral and polar, at codon 65 of the TNNT2 protein (p.Pro65Gln).